The following is an entry in ClinVar:

ClinVar aggregate classification (germline): Uncertain significance (1 of 4 stars; one submission).

Submission:

Labcorp Genetics (formerly Invitae), Labcorp
Classification: Uncertain significance. Last evaluated: 2023-01-19. Review status: criteria provided, single submitter. Criteria: Invitae Variant Classification Sherloc (09022015). Collection method: clinical testing. Allele origin: germline.
Comment: In summary, the available evidence is currently insufficient to determine the role of this variant in disease. Therefore, it has been classified as a Variant of Uncertain Significance. This variant has not been reported in the literature in individuals affected with CARD8-related conditions. This variant is a gross deletion of the genomic region encompassing exon(s) 9 of the CARD8 gene. This deletion is out-of-frame, and is expected to create a premature translational stop signal and result in an absent or disrupted protein product. However, the current clinical and genetic evidence is not sufficient to establish whether loss-of-function variants in CARD8 cause disease.

NC_000019.9:g.(?_48724967)_(48725132_?)del

Gene: CARD8 (caspase recruitment domain family member 8; minus strand). Cytogenetic location: 19q13.33.
Variant type: Deletion.
Identifiers: ClinVar variation 1444504 (VCV001444504.5).